The following is an entry in ClinVar:

ClinVar aggregate classification (germline): Likely benign. Review status: criteria provided, multiple submitters, no conflicts (2 of 4 stars). 2 submissions from 2 submitters: Likely benign (2). Last evaluated 2026-03-01.

Allele frequency attached by ClinVar (database versions not stated): TOPMed 0.00002.
gnomAD v4.1: 19 of 1,613,764 alleles (0.0012%); highest among the groups gnomAD compares: South Asian, 0.0088%; no homozygotes.

Submissions (2):

CeGaT Center for Human Genetics Tuebingen
Classification: Likely benign. Last evaluated: 2026-03-01. Review status: criteria provided, single submitter. Criteria: CeGaT Center For Human Genetics Tuebingen Variant Classification Criteria Version 2. Collection method: clinical testing. Allele origin: germline. Affected: yes. Observed: 1 variant allele.
Comment: HDAC4: BP4, BP7

Labcorp Genetics (formerly Invitae), Labcorp
Classification: Likely benign. Last evaluated: 2018-03-29. Review status: criteria provided, single submitter. Criteria: Invitae Variant Classification Sherloc (09022015). Collection method: clinical testing. Allele origin: germline.

NM_001378414.1(HDAC4):c.2766G>C (p.Pro922=)

Gene: HDAC4 (histone deacetylase 4; minus strand). Cytogenetic location: 2q37.3.
Variant type: single nucleotide variant.
Coding change: c.2766G>C on transcript NM_001378414.1 (MANE Select); coding-DNA position 2766, G replaced by C.
Protein change: p.Pro922=; no amino-acid change (proline 922 retained).
Molecular consequence: synonymous variant.
Genome position (GRCh38, 1-based): chr2:239,068,592, C>G on the plus strand (G>C on the coding strand, the complement: HDAC4 is on the minus strand). VCF-style: chr2-239068592-C-G. GRCh37 (hg19) VCF-style: chr2-239990288-C-G.
Other names: c.2766G>C, p.Pro922= (NM_001378415.1); c.2751G>C, p.Pro917= (NM_001378416.1, NM_001378417.1, NM_006037.4).
Identifiers: ClinVar variation 746633 (VCV000746633.7), dbSNP rs765632061, ClinGen allele CA2199192.